The following is an entry in ClinVar:

NM_017986.4(SLC52A1):c.215C>A (p.Ala72Asp)

Gene: SLC52A1 (solute carrier family 52 member 1; minus strand). Cytogenetic location: 17p13.2.
Variant type: single nucleotide variant.
Coding change: c.215C>A on transcript NM_017986.4 (MANE Select); coding-DNA position 215, C replaced by A.
Protein change: p.Ala72Asp; replaces alanine 72 with aspartic acid.
Molecular consequence: missense variant.
Genome position (GRCh38, 1-based): chr17:5,034,274, G>T on the plus strand (C>A on the coding strand, the complement: SLC52A1 is on the minus strand). VCF-style: chr17-5034274-G-T. GRCh37 (hg19) VCF-style: chr17-4937569-G-T.
Other names: c.215C>A, p.Ala72Asp (NM_001104577.2); short protein forms A72D.
Identifiers: ClinVar variation 2158458 (VCV002158458.4), dbSNP rs779498689, ClinGen allele CA8319844.

ClinVar aggregate classification (germline): Uncertain significance (1 of 4 stars; one submission).

Conditions:
Vitamin B2 deficiency. Identifiers: MedGen C0035528.

Allele frequency attached by ClinVar (database versions not stated): ExAC 0.00001.

Submission:

Labcorp Genetics (formerly Invitae), Labcorp
Classification: Uncertain significance for Vitamin B2 deficiency. Last evaluated: 2022-02-28. Review status: criteria provided, single submitter. Criteria: Invitae Variant Classification Sherloc (09022015). Collection method: clinical testing. Allele origin: germline.
Comment: This variant is not present in population databases (gnomAD no frequency). This variant has not been reported in the literature in individuals affected with SLC52A1-related conditions. Algorithms developed to predict the effect of missense changes on protein structure and function are either unavailable or do not agree on the potential impact of this missense change (SIFT: "Tolerated"; PolyPhen-2: "Possibly Damaging"; Align-GVGD: "Class C0"). In summary, the available evidence is currently insufficient to determine the role of this variant in disease. Therefore, it has been classified as a Variant of Uncertain Significance. This sequence change replaces alanine, which is neutral and non-polar, with aspartic acid, which is acidic and polar, at codon 72 of the SLC52A1 protein (p.Ala72Asp).